The following is an entry in ClinVar:

ClinVar aggregate classification (germline): Uncertain significance. Review status: criteria provided, multiple submitters, no conflicts (2 of 4 stars). 3 submissions from 3 submitters: Uncertain significance (3). Last evaluated 2025-12-22.

Conditions:
Hereditary cancer-predisposing syndrome. Also called: Tumor predisposition; Hereditary neoplastic syndrome; Hereditary Cancer Syndrome; Neoplastic Syndromes, Hereditary. Identifiers: Orphanet 140162, MedGen C0027672, MeSH D009386, MONDO:0015356.
Hereditary breast ovarian cancer syndrome. Also called: Hereditary breast and/or ovarian cancer syndrome; Breast and ovarian cancer; Hereditary breast and ovarian cancer syndrome; Hereditary breast and ovarian cancer; Hereditary breast and ovarian cancer syndrome (HBOC); BRCA1- and BRCA2-Associated Hereditary Breast and Ovarian Cancer. Identifiers: Orphanet 145, MedGen C0677776, MeSH D061325, MONDO:0003582. Disease mechanism: loss of function.
Breast-ovarian cancer, familial, susceptibility to, 1 (BROVCA1). Also called: BRCA1 Hereditary Breast and Ovarian Cancer; OVARIAN CANCER, SUSCEPTIBILITY TO. Identifiers: Orphanet 145, MedGen C2676676, MONDO:0011450, OMIM 604370. Disease mechanism: loss of function.

Allele frequency attached by ClinVar (database versions not stated): gnomAD exomes below 0.00001.
gnomAD v4.1: 2 of 1,613,704 alleles (0.00012%); highest among the groups gnomAD compares: Non-Finnish European, 0.00017%; no homozygotes.

Submissions (3):

Labcorp Genetics (formerly Invitae), Labcorp
Classification: Uncertain significance for Hereditary breast ovarian cancer syndrome. Last evaluated: 2025-12-22. Review status: criteria provided, single submitter. Criteria: Invitae Variant Classification Sherloc (09022015). Collection method: clinical testing. Allele origin: germline.
Comment: This sequence change replaces aspartic acid, which is acidic and polar, with glycine, which is neutral and non-polar, at codon 120 of the BRCA1 protein (p.Asp120Gly). This variant is not present in population databases (gnomAD no frequency). This variant has not been reported in the literature in individuals affected with BRCA1-related conditions. ClinVar contains an entry for this variant (Variation ID: 141096). Invitae Evidence Modeling of protein sequence and biophysical properties (such as structural, functional, and spatial information, amino acid conservation, physicochemical variation, residue mobility, and thermodynamic stability) indicates that this missense variant is not expected to disrupt BRCA1 protein function with a negative predictive value of 80%. RNA analysis performed to evaluate the impact of this missense change on mRNA splicing indicates it does not significantly alter splicing (internal data). In summary, the available evidence is currently insufficient to determine the role of this variant in disease. Therefore, it has been classified as a Variant of Uncertain Significance.

All of Us Research Program, National Institutes of Health
Classification: Uncertain significance for Breast-ovarian cancer, familial, susceptibility to, 1. Last evaluated: 2024-01-03. Review status: criteria provided, single submitter. Criteria: ACMG Guidelines, 2015. Collection method: clinical testing. Allele origin: germline. Inheritance: Autosomal dominant inheritance. Observed: 1 variant allele, 1 heterozygote.
Comment: This missense variant replaces aspartic acid with glycine at codon 120 of the BRCA1 protein. Computational prediction is inconclusive regarding the impact of this variant on protein structure and function. To our knowledge, functional studies have not been reported for this variant. This variant has not been reported in individuals affected with BRCA1-related disorders in the literature. This variant has not been identified in the general population by the Genome Aggregation Database (gnomAD). The available evidence is insufficient to determine the role of this variant in disease conclusively. Therefore, this variant is classified as a Variant of Uncertain Significance.

This study involves interpretation of variants in research participants for the purpose of population health screening. Participant phenotype was not available at the time of variant classification. Additional details can be found in publication PMID: 35346344, PMCID: PMC8962531

Ambry Genetics
Classification: Uncertain significance for Hereditary cancer-predisposing syndrome. Last evaluated: 2023-07-12. Review status: criteria provided, single submitter. Criteria: Ambry Variant Classification Scheme 2023. Collection method: clinical testing. Allele origin: germline.
Comment: The p.D120G variant (also known as c.359A>G), located in coding exon 5 of the BRCA1 gene, results from an A to G substitution at nucleotide position 359. The aspartic acid at codon 120 is replaced by glycine, an amino acid with similar properties. This amino acid position is poorly conserved in available vertebrate species. In addition, this alteration is predicted to be deleterious by in silico analysis. Since supporting evidence is limited at this time, the clinical significance of this alteration remains unclear.

NM_007294.4(BRCA1):c.359A>G (p.Asp120Gly)

Gene: BRCA1 (BRCA1 DNA repair associated; minus strand). Cytogenetic location: 17q21.31.
Variant type: single nucleotide variant.
Coding change: c.359A>G on transcript NM_007294.4 (MANE Select); coding-DNA position 359, A replaced by G.
Protein change: p.Asp120Gly; replaces aspartic acid 120 with glycine.
Molecular consequence: missense variant. On other transcripts: non-coding transcript variant (1).
Genome position (GRCh38, 1-based): chr17:43,104,204, T>C on the plus strand (A>G on the coding strand, the complement: BRCA1 is on the minus strand). VCF-style: chr17-43104204-T-C. GRCh37 (hg19) VCF-style: chr17-41256221-T-C.
Other names: c.359A>G, p.Asp120Gly (NM_001407602.1, NM_001407603.1, NM_001407605.1 and 165 more transcripts); c.350A>G, p.Asp117Gly (NM_001407646.1, NM_001407647.1, NM_001408408.1); c.281A>G, p.Asp94Gly (NM_001407653.1, NM_001407654.1, NM_001407655.1 and 21 more transcripts); c.218A>G, p.Asp73Gly (NM_001407692.1, NM_001407694.1, NM_001407695.1 and 99 more transcripts); c.149A>G, p.Asp50Gly (NM_001407853.1, NM_001407879.1, NM_001407881.1 and 58 more transcripts); c.-23A>G (NM_001407962.1, NM_001407963.1, NM_001407965.1 and 4 more transcripts); c.227A>G, p.Asp76Gly (NM_001408451.1); short protein forms D120G, D73G, D117G, D50G, D76G, D94G.
Identifiers: ClinVar variation 141096 (VCV000141096.18), dbSNP rs587781491, ClinGen allele CA002298.
Genomic context (GRCh38, chr17:43,104,204, plus strand): 5'-CTCTGTAGAAGTCTTTTGGCACGGTTTCTGTAGCCCATACTTTGGATGATAGAAACTTCA[T>C]CTTTTAGATGTTCAGGAGAGTTATTTTCCTTTTTTGCAAAATTATAGCTGTTTGCATCTG-3'
Protein context (NP_009225.1, residues 110-130): KENNSPEHLK[Asp120Gly]EVSIIQSMGY